The following is an entry in ClinVar:

NM_001365276.2(TNXB):c.5050G>C (p.Asp1684His)

Gene: TNXB (tenascin XB; minus strand). Cytogenetic location: 6p21.33.
Variant type: single nucleotide variant.
Coding change: c.5050G>C on transcript NM_001365276.2 (MANE Select); coding-DNA position 5050, G replaced by C.
Protein change: p.Asp1684His; replaces aspartic acid 1684 with histidine.
Molecular consequence: missense variant.
Genome position (GRCh38, 1-based): chr6:32,070,355, C>G on the plus strand (G>C on the coding strand, the complement: TNXB is on the minus strand). VCF-style: chr6-32070355-C-G. GRCh37 (hg19) VCF-style: chr6-32038132-C-G.
Other names: c.5050G>C, p.Asp1684His (NM_019105.8); short protein forms D1684H.
Identifiers: ClinVar variation 1745034 (VCV001745034.2), dbSNP rs770222271, ClinGen allele CA3734802.

ClinVar aggregate classification (germline): Uncertain significance (1 of 4 stars; one submission).

Conditions:
Cardiovascular phenotype. Identifiers: MedGen CN230736.

Allele frequency attached by ClinVar (database versions not stated): gnomAD exomes below 0.00001; TOPMed 0.00001; ExAC 0.00003.
gnomAD v4.1: 3 of 1,607,660 alleles (0.00019%); highest among the groups gnomAD compares: East Asian, 0.0067%; no homozygotes.

Submission:

Ambry Genetics
Classification: Uncertain significance for Cardiovascular phenotype. Last evaluated: 2019-03-19. Review status: criteria provided, single submitter. Criteria: Ambry Variant Classification Scheme 2023. Collection method: clinical testing. Allele origin: germline.
Comment: The p.D1684H variant (also known as c.5050G>C), located in coding exon 13 of the TNXB gene, results from a G to C substitution at nucleotide position 5050. The aspartic acid at codon 1684 is replaced by histidine, an amino acid with similar properties. This amino acid position is well conserved in available vertebrate species. In addition, this alteration is predicted to be tolerated by in silico analysis. Since supporting evidence is limited at this time, the clinical significance of this alteration remains unclear.